The following is an entry in ClinVar:

ClinVar aggregate classification (germline): Uncertain significance (1 of 4 stars; one submission).

Allele frequency attached by ClinVar (database versions not stated): TOPMed below 0.00001.
gnomAD v4.1: 4 of 1,512,112 alleles (0.00026%); highest among the groups gnomAD compares: Middle Eastern, 0.02%; no homozygotes.

Submission:

Labcorp Genetics (formerly Invitae), Labcorp
Classification: Uncertain significance. Last evaluated: 2022-08-10. Review status: criteria provided, single submitter. Criteria: Invitae Variant Classification Sherloc (09022015). Collection method: clinical testing. Allele origin: germline.
Comment: This sequence change replaces alanine, which is neutral and non-polar, with valine, which is neutral and non-polar, at codon 41 of the PUS1 protein (p.Ala41Val). This variant is not present in population databases (gnomAD no frequency). This variant has not been reported in the literature in individuals affected with PUS1-related conditions. Algorithms developed to predict the effect of missense changes on protein structure and function (SIFT, PolyPhen-2, Align-GVGD) all suggest that this variant is likely to be tolerated. Algorithms developed to predict the effect of sequence changes on RNA splicing suggest that this variant may create or strengthen a splice site. In summary, the available evidence is currently insufficient to determine the role of this variant in disease. Therefore, it has been classified as a Variant of Uncertain Significance.

NM_025215.6(PUS1):c.122C>T (p.Ala41Val)

Genes: PUS1 (pseudouridine synthase 1; plus strand), LOC130009240 (ATAC-STARR-seq lymphoblastoid silent region 5107; plus strand). Cytogenetic location: 12q24.33.
Variant type: single nucleotide variant.
Coding change: c.122C>T on transcript NM_025215.6 (MANE Select); coding-DNA position 122, C replaced by T.
Protein change: p.Ala41Val; replaces alanine 41 with valine.
Molecular consequence: missense variant.
Genome position (GRCh38, 1-based): chr12:131,929,954, C>T. VCF-style: chr12-131929954-C-T. GRCh37 (hg19) VCF-style: chr12-132414499-C-T.
Other names: c.38C>T, p.Ala13Val (NM_001002019.3, NM_001002020.3); short protein forms A13V, A41V.
Identifiers: ClinVar variation 1988425 (VCV001988425.1), dbSNP rs1326220015, ClinGen allele CA387297173.
Genomic context (GRCh38, chr12:131,929,954, plus strand): 5'-CCCTTCTCCGCAGCTCGCCGCGCATGGCCGGGAACGCGGAGCCGCCGCCCGCCGGAGCCG[C>T]ATGCCCCCAGGACCGGAGGTCCTGCAGCGGCCGGGCCGGGGGCGACCGCGTCTGGGAGGA-3'
Protein context (NP_079491.2, residues 31-51): GNAEPPPAGA[Ala41Val]CPQDRRSCSG